The following is an entry in ClinVar:

ClinVar aggregate classification (germline): Uncertain significance. Review status: criteria provided, multiple submitters, no conflicts (2 of 4 stars). 2 submissions from 2 submitters: Uncertain significance (2). Last evaluated 2024-12-31.

Conditions:
Inborn genetic diseases. Identifiers: MedGen C0950123, MeSH D030342.

Allele frequency attached by ClinVar (database versions not stated): TOPMed below 0.00001; gnomAD 0.00001; ExAC 0.00002; ESP Exome Variant Server 0.00008; gnomAD exomes 0.00002.
gnomAD v4.1: 29 of 1,613,650 alleles (0.0018%); highest among the groups gnomAD compares: Non-Finnish European, 0.0023%; no homozygotes.

Submissions (2):

Ambry Genetics
Classification: Uncertain significance for Inborn genetic diseases. Last evaluated: 2024-12-31. Review status: criteria provided, single submitter. Criteria: Ambry Variant Classification Scheme 2023. Collection method: clinical testing. Allele origin: germline.

GeneDx
Classification: Uncertain significance. Last evaluated: 2017-08-02. Review status: criteria provided, single submitter. Criteria: GeneDx Variant Classification (06012015). Collection method: clinical testing. Allele origin: germline. Affected: yes.
Comment: The W63C variant has not been published as a pathogenic variant, nor has it been reported as a benign variant to our knowledge. The variant is not observed at a significant frequency in large population cohorts (Lek et al., 2016; 1000 Genomes Consortium et al., 2015; Exome Variant Server). W63C is a non-conservative amino acid substitution, which is likely to impact secondary protein structure as these residues differ in polarity, charge, size and/or other properties. This substitution occurs at a position that is not conserved; however, in silico analysis predicts this variant is probably damaging to the protein structure/function. In summary, based on the currently available information, it is unclear whether this variant is a pathogenic variant or a rare benign variant.

NM_000406.3(GNRHR):c.189G>C (p.Trp63Cys)

Gene: GNRHR (gonadotropin releasing hormone receptor; minus strand). Cytogenetic location: 4q13.2.
Variant type: single nucleotide variant.
Coding change: c.189G>C on transcript NM_000406.3 (MANE Select); coding-DNA position 189, G replaced by C.
Protein change: p.Trp63Cys; replaces tryptophan 63 with cysteine.
Molecular consequence: missense variant.
Genome position (GRCh38, 1-based): chr4:67,754,147, C>G on the plus strand (G>C on the coding strand, the complement: GNRHR is on the minus strand). VCF-style: chr4-67754147-C-G. GRCh37 (hg19) VCF-style: chr4-68619865-C-G.
Other names: c.189G>C, p.Trp63Cys (NM_001012763.2); short protein forms W63C.
Identifiers: ClinVar variation 451078 (VCV000451078.3), dbSNP rs138926430, ClinGen allele CA2938976.
Genomic context (GRCh38, chr4:67,754,147, plus strand): 5'-CAGATGTTTTAAGAGCAGCTTCATTCTTGAGAGCTTTTTCCCTTTCTCTTTCTTCTGTGT[C>G]CACTTCTGAAGTTTCAACAAGAAAGAAGCATTAAAGGTCGCAGAGAGCAGAAAAAGGAAG-3'
Protein context (NP_000397.1, residues 53-73): NASFLLKLQK[Trp63Cys]TQKKEKGKKL